The following is an entry in ClinVar:

ClinVar aggregate classification (germline): Benign/Likely benign. Review status: criteria provided, multiple submitters, no conflicts (2 of 4 stars). 13 submissions from 13 submitters: Benign (8); Likely benign (5). Last evaluated 2026-09-01.

Conditions:
Mitochondrial complex 2 deficiency, nuclear type 4. Also called: MITOCHONDRIAL COMPLEX II DEFICIENCY, NUCLEAR TYPE 4. Identifiers: MedGen C5543176, MONDO:0030974, OMIM 619224.
Pheochromocytoma. Also called: MAX-Related Hereditary Paraganglioma-Pheochromocytoma Syndrome. Identifiers: Orphanet 29072, MedGen C0031511, MONDO:0008233, OMIM 171300, HP:0002666.
Carney-Stratakis syndrome. Also called: PARAGANGLIOMA AND GASTROINTESTINAL STROMAL TUMOR. Identifiers: Orphanet 97286, MedGen C1847319, MONDO:0011740, OMIM 606864.
Pheochromocytoma/paraganglioma syndrome 4. Also called: Paragangliomas 4; SDHB-Related Hereditary Paraganglioma-Pheochromocytoma Syndrome (Paragangliomas 4); CAROTID BODY TUMORS AND MULTIPLE EXTRAADRENAL PHEOCHROMOCYTOMAS; PARAGANGLIOMA, FAMILIAL MALIGNANT; PARAGANGLIOMAS, HEREDITARY EXTRAADRENAL; PHEOCHROMOCYTOMA, FAMILIAL EXTRAADRENAL. Identifiers: Orphanet 29072, MedGen C1861848, MONDO:0007273, OMIM 115310.
Gastrointestinal stromal tumor. Also called: Gastrointestinal stromal tumor, somatic; Gastrointestinal stroma tumor. Identifiers: Orphanet 44890, MedGen C0238198, MeSH D046152, MONDO:0011719, OMIM 606764, HP:0100723.
Hereditary cancer-predisposing syndrome. Also called: Neoplastic Syndromes, Hereditary; Tumor predisposition; Hereditary Cancer Syndrome; Hereditary neoplastic syndrome. Identifiers: Orphanet 140162, MedGen C0027672, MeSH D009386, MONDO:0015356.
Hereditary pheochromocytoma and paraganglioma. Also called: Hereditary Paraganglioma-Pheochromocytoma Syndromes; Hereditary paragangliomas and pheochromocytomas; Hereditary pheochromocytoma-paraganglioma. Identifiers: Orphanet 29072, MedGen C4274332, MONDO:0017366.

Submissions (13):

CeGaT Center for Human Genetics Tuebingen
Classification: Likely benign. Last evaluated: 2026-09-01. Review status: criteria provided, single submitter. Criteria: CeGaT Center For Human Genetics Tuebingen Variant Classification Criteria Version 2. Collection method: clinical testing. Allele origin: germline. Affected: yes. Observed: 129 variant alleles.
Comment: SDHB: BS2

Labcorp Genetics (formerly Invitae), Labcorp
Classification: Benign for Gastrointestinal stromal tumor; Pheochromocytoma/paraganglioma syndrome 4; Pheochromocytoma. Last evaluated: 2026-02-04. Review status: criteria provided, single submitter. Criteria: Invitae Variant Classification Sherloc (09022015). Collection method: clinical testing. Allele origin: germline.

ARUP Laboratories, Molecular Genetics and Genomics, ARUP Laboratories
Classification: Benign. Last evaluated: 2025-03-18. Review status: criteria provided, single submitter. Criteria: ARUP Molecular Germline Variant Investigation Process 2024. Collection method: clinical testing. Allele origin: germline.

Myriad Genetics, Inc.
Classification: Benign for Pheochromocytoma/paraganglioma syndrome 4. Last evaluated: 2025-03-12. Review status: criteria provided, single submitter. Criteria: Myriad Autosomal Dominant, Autosomal Recessive and X-Linked Classification Criteria (2023). Collection method: clinical testing. Allele origin: unknown.
Comment: This variant is considered benign. This variant is intronic and is not expected to impact mRNA splicing.

Center for Genomic Medicine, Rigshospitalet, Copenhagen University Hospital
Classification: Likely benign. Last evaluated: 2025-03-04. Review status: criteria provided, single submitter. Criteria: ACMG Guidelines, 2015. Collection method: clinical testing. Allele origin: germline.

Blueprint Genetics
Classification: Likely benign. Last evaluated: 2024-11-12. Review status: criteria provided, single submitter. Criteria: ACMG Guidelines, 2015. Collection method: clinical testing. Allele origin: germline.

Color Diagnostics, LLC DBA Color Health
Classification: Benign for Hereditary pheochromocytoma and paraganglioma. Last evaluated: 2022-09-20. Review status: criteria provided, single submitter. Criteria: ACMG Guidelines, 2015. Collection method: clinical testing. Allele origin: germline.

Fulgent Genetics
Classification: Likely benign for Pheochromocytoma/paraganglioma syndrome 4; Pheochromocytoma; Gastrointestinal stromal tumor; Carney-Stratakis syndrome; Mitochondrial complex 2 deficiency, nuclear type 4. Last evaluated: 2021-11-01. Review status: criteria provided, single submitter. Criteria: ACMG Guidelines, 2015. Collection method: clinical testing. Allele origin: unknown.

Department of Pathology and Laboratory Medicine, Sinai Health System
Classification: Benign for Pheochromocytoma/paraganglioma syndrome 4; Gastrointestinal stromal tumor; Carney-Stratakis syndrome; Mitochondrial complex 2 deficiency, nuclear type 4. Last evaluated: 2021-05-10. Review status: criteria provided, single submitter. Criteria: ACMG Guidelines, 2015. Collection method: clinical testing. Allele origin: germline. Affected: yes.

Sema4
Classification: Benign for Hereditary cancer-predisposing syndrome. Last evaluated: 2021-04-04. Review status: criteria provided, single submitter. Criteria: Sema4 Curation Guidelines. Collection method: curation. Allele origin: germline.

GeneDx
Classification: Likely benign. Last evaluated: 2017-08-22. Review status: criteria provided, single submitter. Criteria: GeneDx Variant Classification (06012015). Collection method: clinical testing. Allele origin: germline. Affected: yes.
Comment: This variant is considered likely benign or benign based on one or more of the following criteria: it is a conservative change, it occurs at a poorly conserved position in the protein, it is predicted to be benign by multiple in silico algorithms, and/or has population frequency not consistent with disease.

Women's Health and Genetics/Laboratory Corporation of America, LabCorp
Classification: Benign for Pheochromocytoma. Last evaluated: 2011-08-18. Review status: criteria provided, single submitter. Criteria: LabCorp Variant Classification Summary - May 2015. Collection method: curation, clinical testing. Allele origin: germline. Inheritance: autosomal unknown. Affected: yes. Observed: 2 variant alleles.
ClinVar note: Converted during submission from benign to Benign.

PreventionGenetics, part of Exact Sciences
Classification: Benign. Review status: criteria provided, single submitter. Criteria: ACMG Guidelines, 2015. Collection method: clinical testing. Allele origin: germline.

Literature cited by the submitters: PubMed 20119652 (cited by Women's Health and Genetics/Laboratory Corporation of America, LabCorp); PubMed 14985401 (cited by Women's Health and Genetics/Laboratory Corporation of America, LabCorp).

NM_003000.3(SDHB):c.424-37TTC[10]

Gene: SDHB (succinate dehydrogenase complex iron sulfur subunit B; minus strand). Cytogenetic location: 1p36.13.
Variant type: Microsatellite.
Coding change: c.424-37TTC[10] on transcript NM_003000.3 (MANE Select); ten copies in a row of the 3-base unit TTC starting at c.424-37; the reference has eight copies in a row; two copies, 6 bases duplicated.
Molecular consequence: intron variant.
Genome position (GRCh38, 1-based): chr1:17,027,879-17,027,884, GAAGAA duplicated on the plus strand (TTCTTC on the coding strand, the reverse complement: SDHB is on the minus strand); duplicating any 6 consecutive bases within chr1:17,027,879-17,027,902 gives the same sequence; the position shown is the placement nearest the transcript's 3' end. VCF-style (leftmost placement, unchanged base first): chr1-17027878-G-GGAAGAA. GRCh37 (hg19) VCF-style: chr1-17354373-G-GGAAGAA.
Other names: c.424-19_424-14dupTTCTTC (NM_003000.2, NM_003000.3); c.424-19_424-14dup (NM_003000.3).
Identifiers: ClinVar variation 36770 (VCV000036770.58), dbSNP rs34261028, ClinGen allele CA260527.